The following is an entry in ClinVar:

NC_000006.11:g.(65596736_65612005)_(65655808_65707474)del

Gene: EYS (EGF-like photoreceptor maintenance factor; minus strand). Cytogenetic location: 6q12.
Variant type: Deletion.
Identifiers: ClinVar variation 1696172 (VCV001696172.1).

ClinVar aggregate classification (germline): Pathogenic (1 of 4 stars; one submission).

Conditions:
Retinitis pigmentosa (RP). Identifiers: Orphanet 791, MedGen C0035334, MeSH D012174, MONDO:0019200, OMIM 268000. Inheritance: Autosomal dominant, autosomal recessive and X linked inheritance.

Submission:

Women's Health and Genetics/Laboratory Corporation of America, LabCorp
Classification: Pathogenic for Retinitis pigmentosa. Last evaluated: 2022-05-25. Review status: criteria provided, single submitter. Criteria: LabCorp Variant Classification Summary - May 2015. Collection method: clinical testing. Allele origin: germline.
Comment: Variant summary: The variant identified by MLPA or other technology involves the deletion of exons 15-18 in the EYS gene. A presumed nomenclature of c.(2259+1_2260-1)_(2846+1_2847-1)del has been designated for the purposes of this classification. Although exact breakpoints of this deletion are not known, it is expected to result in a frameshift in the EYS gene, a known mechanism of disease. The variant was absent in 21694 control chromosomes (gnomAD, Structural Variants dataset). Deletion of exons 15-18 has been reported in the literature in individuals affected with Retinitis Pigmentosa (e.g. Bujakowska_2017, Carss_2017, McGuigan_2017, Ellingford_2018, Cho_2020). These data indicate that the variant is likely to be associated with disease. A ClinVar submitter (evaluation after 2014) cites the variant as pathogenic. Based on the evidence outlined above, the variant was classified as pathogenic.

Literature cited by the submitters: PubMed 28041643; PubMed 29074561; PubMed 27735924; PubMed 32000842; PubMed 28704921.